The following is an entry in ClinVar:

NM_000044.6(AR):c.321C>A (p.Tyr107Ter)

Gene: AR (androgen receptor; plus strand). Cytogenetic location: Xq12.
Variant type: single nucleotide variant.
Coding change: c.321C>A on transcript NM_000044.6 (MANE Select); coding-DNA position 321, C replaced by A.
Protein change: p.Tyr107Ter; replaces tyrosine 107 with a stop codon.
Molecular consequence: nonsense. On other transcripts: 5 prime UTR variant (1).
Genome position (GRCh38, 1-based): chrX:67,545,467, C>A. VCF-style: chrX-67545467-C-A. GRCh37 (hg19) VCF-style: chrX-66765309-C-A.
Other names: c.-1463C>A (NM_001011645.3); c.321C>A, p.Tyr107Ter (NM_001348061.1, NM_001348063.1, NM_001348064.1); short protein forms Y107*.
Identifiers: ClinVar variation 458367 (VCV000458367.9), dbSNP rs1481151440, ClinGen allele CA413424319.

ClinVar aggregate classification (germline): Pathogenic (1 of 4 stars; one submission).

Conditions:
Androgen resistance syndrome (AIS). Also called: ANDROGEN RECEPTOR DEFICIENCY; DIHYDROTESTOSTERONE RECEPTOR DEFICIENCY; Androgen insensitivity syndrome; TESTICULAR FEMINIZATION SYNDROME; Androgen insensitivity; Androgen insensitivity syndrome due to coactivator deficiency. Identifiers: Orphanet 754, Orphanet 99429, MedGen C0039585, MONDO:0019154, OMIM 300068. Disease mechanism: loss of function.
Kennedy disease (SMAX1). Also called: SPINAL AND BULBAR MUSCULAR ATROPHY, X-LINKED 1; Spinal and Bulbar Muscular Atrophy; KENNEDY SPINAL AND BULBAR MUSCULAR ATROPHY. Identifiers: Orphanet 481, MedGen C1839259, MONDO:0010735, OMIM 313200.

Submission:

Labcorp Genetics (formerly Invitae), Labcorp
Classification: Pathogenic for Kennedy disease; Androgen resistance syndrome. Last evaluated: 2017-03-22. Review status: criteria provided, single submitter. Criteria: Invitae Variant Classification Sherloc (09022015). Collection method: clinical testing. Allele origin: germline.
Comment: For these reasons, this variant has been classified as Pathogenic. While this particular variant has not been reported in the literature, loss-of-function variants in AR are known to be pathogenic (PMID: 19463997). This sequence change creates a premature translational stop signal at codon 107 (p.Tyr107*) of the AR gene. It is expected to result in an absent or disrupted protein product.

Literature cited by the submitters: PubMed 19463997.